The following is an entry in ClinVar:

NM_017654.4(SAMD9):c.2256G>T (p.Trp752Cys)

Gene: SAMD9 (sterile alpha motif domain containing 9; minus strand). Cytogenetic location: 7q21.2.
Variant type: single nucleotide variant.
Coding change: c.2256G>T on transcript NM_017654.4 (MANE Select); coding-DNA position 2256, G replaced by T.
Protein change: p.Trp752Cys; replaces tryptophan 752 with cysteine.
Molecular consequence: missense variant.
Genome position (GRCh38, 1-based): chr7:93,103,842, C>A on the plus strand (G>T on the coding strand, the complement: SAMD9 is on the minus strand). VCF-style: chr7-93103842-C-A. GRCh37 (hg19) VCF-style: chr7-92733155-C-A.
Other names: c.2256G>T, p.Trp752Cys (NM_001193307.2); short protein forms W752C.
Identifiers: ClinVar variation 3949613 (VCV003949613.1).
Genomic context (GRCh38, chr7:93,103,842, plus strand): 5'-TTCAGAAAAATCCACTGTCTTGTTTTTCAGCACAGCACATCTGAATTTCTTCCTTAGTTC[C>A]CAGAGAATGTGCATAGCCAAGGTAGTTCCCCCACAGCCTGGATGATGATACAGATGAATA-3'
Protein context (NP_060124.2, residues 742-762): GGTTLAMHIL[Trp752Cys]ELRKKFRCAV

ClinVar aggregate classification (germline): Uncertain significance (1 of 4 stars; one submission).

Conditions:
Inborn genetic diseases. Identifiers: MedGen C0950123, MeSH D030342.

gnomAD v4.1: 1 of 1,613,884 alleles (0.000062%); highest among the groups gnomAD compares: Non-Finnish European, 0.000085%; no homozygotes.

Submission:

Ambry Genetics
Classification: Uncertain significance for Inborn genetic diseases. Last evaluated: 2025-05-08. Review status: criteria provided, single submitter. Criteria: Ambry Variant Classification Scheme 2023. Collection method: clinical testing. Allele origin: germline.
Comment: The p.W752C variant (also known as c.2256G>T), located in coding exon 1 of the SAMD9 gene, results from a G to T substitution at nucleotide position 2256. The tryptophan at codon 752 is replaced by cysteine, an amino acid with highly dissimilar properties. This amino acid position is conserved. In addition, this alteration is predicted to be deleterious by in silico analysis. Based on the available evidence, the clinical significance of this variant remains unclear.